The following is an entry in ClinVar:

ClinVar aggregate classification (germline): Conflicting classifications of pathogenicity. Review status: criteria provided, conflicting classifications (1 of 4 stars). 4 submissions from 4 submitters: Uncertain significance (1); Benign (1); Likely benign (2). Last evaluated 2026-01-12.

Conditions:
Fraser syndrome 1 (FRASRS1). Also called: CRYPTOPHTHALMOS WITH OTHER MALFORMATIONS. Identifiers: Orphanet 2052, MedGen C4551480, MONDO:0054737, OMIM 219000.

Allele frequency attached by ClinVar (database versions not stated): gnomAD exomes 0.00017 and 0.00044; ExAC 0.00056; 1000 Genomes Project 30x 0.00109; 1000 Genomes Project 0.00120; ESP Exome Variant Server 0.00200; gnomAD 0.00210 and 0.00232; TOPMed 0.00244.
gnomAD v4.1: 558 of 1,611,572 alleles (0.035%); highest among the groups gnomAD compares: African/African-American, 0.71%; 1 homozygote.

Submissions (4):

Labcorp Genetics (formerly Invitae), Labcorp
Classification: Likely benign. Last evaluated: 2026-01-12. Review status: criteria provided, single submitter. Criteria: Invitae Variant Classification Sherloc (09022015). Collection method: clinical testing. Allele origin: germline.

GeneDx
Classification: Uncertain significance. Last evaluated: 2023-03-11. Review status: criteria provided, single submitter. Criteria: GeneDx Variant Classification Process June 2021. Collection method: clinical testing. Allele origin: germline. Affected: yes.
Comment: Reported with unknown phase with two other FRAS1 variants in a patient with clubfoot, unilateral incomplete cleft lip, micropenis, and cryptorchidism, but this individual was also reported to have a variant in the CHD7 gene as well (Gowans et al., 2021); In silico analysis supports that this missense variant has a deleterious effect on protein structure/function; This variant is associated with the following publications: (PMID: 33719213)

Illumina Laboratory Services, Illumina
Classification: Likely benign for Fraser syndrome 1. Last evaluated: 2018-01-13. Review status: criteria provided, single submitter. Criteria: ICSL Variant Classification Criteria 13 December 2019. Collection method: clinical testing. Allele origin: germline.
Comment: This variant was observed in the ICSL laboratory as part of a predisposition screen in an ostensibly healthy population. It had not been previously curated by ICSL or reported in the Human Gene Mutation Database (HGMD: prior to June 1st, 2018), and was therefore a candidate for classification through an automated scoring system. Utilizing variant allele frequency, disease prevalence and penetrance estimates, and inheritance mode, an automated score was calculated to assess if this variant is too frequent to cause the disease. Based on the score and internal cut-off values, a variant classified as likely benign is not then subjected to further curation. The score for this variant resulted in a classification of likely benign for this disease.

Eurofins Ntd Llc (ga)
Classification: Benign. Last evaluated: 2015-06-25. Review status: criteria provided, single submitter. Criteria: EGL Classification Definitions 2015. Collection method: clinical testing. Allele origin: germline. Observed: 1 variant allele, 1 heterozygote.

NM_025074.7(FRAS1):c.10594A>G (p.Ile3532Val)

Gene: FRAS1 (Fraser extracellular matrix complex subunit 1; plus strand). Cytogenetic location: 4q21.21.
Variant type: single nucleotide variant.
Coding change: c.10594A>G on transcript NM_025074.7 (MANE Select); coding-DNA position 10594, A replaced by G.
Protein change: p.Ile3532Val; replaces isoleucine 3532 with valine.
Molecular consequence: missense variant.
Genome position (GRCh38, 1-based): chr4:78,521,576, A>G. VCF-style: chr4-78521576-A-G. GRCh37 (hg19) VCF-style: chr4-79442730-A-G.
Other names: short protein forms I3532V.
Identifiers: ClinVar variation 281466 (VCV000281466.19), dbSNP rs144715071, ClinGen allele CA2979013.
Genomic context (GRCh38, chr4:78,521,576, plus strand): 5'-TGCCCAGGAATCCAGACAGACAGCGTGCTCTCTGCAAGGCTTCAGATAATAAGAATCTAC[A>G]TTCGAGAGGATGGCCGTCTTGTCATTGAATTCAAGACCCATGCCAAATTCAGAGGTAATA-3'
Protein context (NP_079350.5, residues 3522-3542): SARLQIIRIY[Ile3532Val]REDGRLVIEF